The following is an entry in ClinVar:

ClinVar aggregate classification (germline): Conflicting classifications of pathogenicity. Review status: criteria provided, conflicting classifications (1 of 4 stars). 5 submissions from 5 submitters: Uncertain significance (1); Likely benign (4). Last evaluated 2026-01-26.

Conditions:
Hereditary cancer-predisposing syndrome. Also called: Tumor predisposition; Neoplastic Syndromes, Hereditary; Hereditary Cancer Syndrome; Hereditary neoplastic syndrome. Identifiers: Orphanet 140162, MedGen C0027672, MeSH D009386, MONDO:0015356.
Ataxia-telangiectasia syndrome (AT). Also called: Ataxia-telangiectasia; Cerebello-oculocutaneous telangiectasia; Immunodeficiency with ataxia telangiectasia; ATAXIA-TELANGIECTASIA, COMPLEMENTATION GROUP A; ATAXIA-TELANGIECTASIA, FRESNO VARIANT; Ataxia-telangiectasia, complementation group D. Identifiers: Orphanet 100, MedGen C0004135, MONDO:0008840, OMIM 208900.
Familial cancer of breast. Also called: Hereditary breast cancer; BREAST CANCER, FAMILIAL; hereditary breast carcinoma. Identifiers: Orphanet 227535, MedGen C0346153, MONDO:0016419, OMIM 114480. Disease mechanism: loss of function.

Allele frequency attached by ClinVar (database versions not stated): TOPMed 0.00002; ESP Exome Variant Server 0.00008; gnomAD exomes below 0.00001 and 0.00001; ExAC 0.00001; gnomAD 0.00002.
gnomAD v4.1: 17 of 1,612,938 alleles (0.0011%); highest among the groups gnomAD compares: Non-Finnish European, 0.0014%; no homozygotes.

Submissions (5):

Labcorp Genetics (formerly Invitae), Labcorp
Classification: Likely benign for Ataxia-telangiectasia syndrome. Last evaluated: 2026-01-26. Review status: criteria provided, single submitter. Criteria: Invitae Variant Classification Sherloc (09022015). Collection method: clinical testing. Allele origin: germline.

Women's Health and Genetics/Laboratory Corporation of America, LabCorp
Classification: Likely benign. Last evaluated: 2024-11-21. Review status: criteria provided, single submitter. Criteria: LabCorp Variant Classification Summary - May 2015. Collection method: clinical testing. Allele origin: germline.
Comment: Variant summary: ATM c.5319+8A>G alters a non-conserved nucleotide located close to a canonical splice site and therefore could affect mRNA splicing, leading to a significantly altered protein sequence. Consensus agreement among computation tools predict no significant impact on normal splicing. However, these predictions have yet to be confirmed by functional studies. The variant allele was found at a frequency of 1.1e-05 in 1605970 control chromosomes in the gnomAD database (v4.1 dataset). This frequency is not significantly higher than estimated for a pathogenic variant in ATM causing Ataxia-Telangiectasia (0.004), allowing no conclusion about variant significance. To our knowledge, no occurrence of c.5319+8A>G in individuals affected with Ataxia-Telangiectasia and no experimental evidence demonstrating its impact on protein function have been reported. ClinVar contains an entry for this variant (Variation ID: 414543). Based on the evidence outlined above, the variant was classified as likely benign.

Myriad Genetics, Inc.
Classification: Likely benign for Familial cancer of breast. Last evaluated: 2024-05-22. Review status: criteria provided, single submitter. Criteria: Myriad Autosomal Dominant, Autosomal Recessive and X-Linked Classification Criteria (2023). Collection method: clinical testing. Allele origin: unknown.
Comment: This variant is considered likely benign. This variant is intronic and is not expected to impact mRNA splicing.

Color Diagnostics, LLC DBA Color Health
Classification: Likely benign for Hereditary cancer-predisposing syndrome. Last evaluated: 2016-04-29. Review status: criteria provided, single submitter. Criteria: ACMG Guidelines, 2015. Collection method: clinical testing. Allele origin: germline.

Ambry Genetics
Classification: Uncertain significance for Hereditary cancer-predisposing syndrome. Last evaluated: 2015-05-24. Review status: criteria provided, single submitter. Criteria: Ambry Variant Classification Scheme 2023. Collection method: clinical testing. Allele origin: germline.
Comment: The c.5319+8A>G intronic alteration consists of a A to G substitution nucleotides after coding exon 34 in the ATM gene. Based on insufficient or conflicting evidence, the clinical significance of this alteration remains unclear.

NM_000051.4(ATM):c.5319+8A>G

Gene: ATM (ATM serine/threonine kinase; plus strand). Cytogenetic location: 11q22.3.
Variant type: single nucleotide variant.
Coding change: c.5319+8A>G on transcript NM_000051.4 (MANE Select); 8 bases into the intron after coding-DNA position 5319, A replaced by G.
Molecular consequence: intron variant.
Genome position (GRCh38, 1-based): chr11:108,301,797, A>G. VCF-style: chr11-108301797-A-G. GRCh37 (hg19) VCF-style: chr11-108172524-A-G.
Other names: c.5319+8A>G (NM_001351834.2).
Identifiers: ClinVar variation 414543 (VCV000414543.16), dbSNP rs375051697, ClinGen allele CA6265673.